The following is an entry in ClinVar:

ClinVar aggregate classification (germline): Uncertain significance. Review status: criteria provided, multiple submitters, no conflicts (2 of 4 stars). 2 submissions from 2 submitters: Uncertain significance (2). Last evaluated 2021-07-09.

Submissions (2):

Labcorp Genetics (formerly Invitae), Labcorp
Classification: Uncertain significance. Last evaluated: 2021-07-09. Review status: criteria provided, single submitter. Criteria: Invitae Variant Classification Sherloc (09022015). Collection method: clinical testing. Allele origin: germline.
Comment: In summary, the available evidence is currently insufficient to determine the role of this variant in disease. Therefore, it has been classified as a Variant of Uncertain Significance. Algorithms developed to predict the effect of missense changes on protein structure and function do not agree on the potential impact of this missense change (SIFT: "Deleterious"; PolyPhen-2: "Benign"; Align-GVGD: "Class C0"). This variant has not been reported in the literature in individuals with POLE-related disease. This variant is not present in population databases (ExAC no frequency). This sequence change replaces valine with methionine at codon 1229 of the POLE protein (p.Val1229Met). The valine residue is weakly conserved and there is a small physicochemical difference between valine and methionine.

Quest Diagnostics Nichols Institute San Juan Capistrano
Classification: Uncertain significance. Last evaluated: 2018-11-01. Review status: criteria provided, single submitter. Criteria: Quest Diagnostics criteria. Collection method: clinical testing. Allele origin: germline.

NM_006231.4(POLE):c.3685G>A (p.Val1229Met)

Gene: POLE (DNA polymerase epsilon, catalytic subunit; minus strand). Cytogenetic location: 12q24.33.
Variant type: single nucleotide variant.
Coding change: c.3685G>A on transcript NM_006231.4 (MANE Select); coding-DNA position 3685, G replaced by A.
Protein change: p.Val1229Met; replaces valine 1229 with methionine.
Molecular consequence: missense variant.
Genome position (GRCh38, 1-based): chr12:132,649,787, C>T on the plus strand (G>A on the coding strand, the complement: POLE is on the minus strand). VCF-style: chr12-132649787-C-T. GRCh37 (hg19) VCF-style: chr12-133226373-C-T.
Other names: short protein forms V1229M.
Identifiers: ClinVar variation 571666 (VCV000571666.12), dbSNP rs1565946654, ClinGen allele CA387386585.